The following is an entry in ClinVar:

ClinVar aggregate classification (germline): Uncertain significance. Review status: criteria provided, multiple submitters, no conflicts (2 of 4 stars). 3 submissions from 3 submitters: Uncertain significance (3). Last evaluated 2025-08-31.

Conditions:
Inborn genetic diseases. Identifiers: MedGen C0950123, MeSH D030342.
LAMA2-related muscular dystrophy (LAMA2-RD). Also called: Laminin alpha 2-related dystrophy. Identifiers: MedGen C5679788, MONDO:0100228.

Allele frequency attached by ClinVar (database versions not stated): ExAC 0.00001; gnomAD 0.00001; gnomAD exomes 0.00001; TOPMed 0.00001.
gnomAD v4.1: 10 of 1,613,628 alleles (0.00062%); highest among the groups gnomAD compares: East Asian, 0.0022%; no homozygotes.

Submissions (3):

Ambry Genetics
Classification: Uncertain significance for Inborn genetic diseases. Last evaluated: 2025-08-31. Review status: criteria provided, single submitter. Criteria: Ambry Variant Classification Scheme 2023. Collection method: clinical testing. Allele origin: germline.

Labcorp Genetics (formerly Invitae), Labcorp
Classification: Uncertain significance for LAMA2-related muscular dystrophy. Last evaluated: 2022-04-07. Review status: criteria provided, single submitter. Criteria: Invitae Variant Classification Sherloc (09022015). Collection method: clinical testing. Allele origin: germline.
Comment: This sequence change replaces isoleucine, which is neutral and non-polar, with phenylalanine, which is neutral and non-polar, at codon 1917 of the LAMA2 protein (p.Ile1917Phe). This variant is present in population databases (rs727503993, gnomAD 0.02%). This variant has not been reported in the literature in individuals affected with LAMA2-related conditions. ClinVar contains an entry for this variant (Variation ID: 167245). Advanced modeling of protein sequence and biophysical properties (such as structural, functional, and spatial information, amino acid conservation, physicochemical variation, residue mobility, and thermodynamic stability) performed at Invitae indicates that this missense variant is not expected to disrupt LAMA2 protein function. In summary, the available evidence is currently insufficient to determine the role of this variant in disease. Therefore, it has been classified as a Variant of Uncertain Significance.

Eurofins Ntd Llc (ga)
Classification: Uncertain significance. Last evaluated: 2013-11-26. Review status: criteria provided, single submitter. Criteria: EGL Classification Definitions 2015. Collection method: clinical testing. Allele origin: germline. Observed: 1 variant allele, 1 heterozygote.

NM_000426.4(LAMA2):c.5749A>T (p.Ile1917Phe)

Gene: LAMA2 (laminin subunit alpha 2; plus strand). Cytogenetic location: 6q22.33.
Variant type: single nucleotide variant.
Coding change: c.5749A>T on transcript NM_000426.4 (MANE Select); coding-DNA position 5749, A replaced by T.
Protein change: p.Ile1917Phe; replaces isoleucine 1917 with phenylalanine.
Molecular consequence: missense variant.
Genome position (GRCh38, 1-based): chr6:129,403,843, A>T. VCF-style: chr6-129403843-A-T. GRCh37 (hg19) VCF-style: chr6-129724988-A-T.
Other names: c.5749A>T, p.Ile1917Phe (NM_001079823.2); short protein forms I1917F.
Identifiers: ClinVar variation 167245 (VCV000167245.8), dbSNP rs727503993, ClinGen allele CA234202.